The following is an entry in ClinVar:

ClinVar aggregate classification (germline): Uncertain significance (1 of 4 stars; one submission).

Conditions:
Pigmentary pallidal degeneration (NBIA1). Also called: HARP SYNDROME; PKAN NEUROAXONAL DYSTROPHY, JUVENILE-ONSET; Pantothenate Kinase-Associated Neurodegeneration; Neuroaxonal dystrophy, late infantile; Hallervorden-Spatz disease; Neurodegeneration with brain iron accumulation 1. Identifiers: Orphanet 157850, MedGen C0018523, MONDO:0009319, OMIM 234200.

Submission:

Labcorp Genetics (formerly Invitae), Labcorp
Classification: Uncertain significance for Pigmentary pallidal degeneration. Last evaluated: 2022-11-29. Review status: criteria provided, single submitter. Criteria: Invitae Variant Classification Sherloc (09022015). Collection method: clinical testing. Allele origin: germline.
Comment: In summary, the available evidence is currently insufficient to determine the role of this variant in disease. Therefore, it has been classified as a Variant of Uncertain Significance. Advanced modeling of protein sequence and biophysical properties (such as structural, functional, and spatial information, amino acid conservation, physicochemical variation, residue mobility, and thermodynamic stability) performed at Invitae indicates that this missense variant is expected to disrupt PANK2 protein function. ClinVar contains an entry for this variant (Variation ID: 1382403). This variant has not been reported in the literature in individuals affected with PANK2-related conditions. This variant is not present in population databases (gnomAD no frequency). This sequence change replaces serine, which is neutral and polar, with leucine, which is neutral and non-polar, at codon 392 of the PANK2 protein (p.Ser392Leu).

NM_001386393.1(PANK2):c.845C>T (p.Ser282Leu)

Gene: PANK2 (pantothenate kinase 2; plus strand). Cytogenetic location: 20p13.
Variant type: single nucleotide variant.
Coding change: c.845C>T on transcript NM_001386393.1 (MANE Select); coding-DNA position 845, C replaced by T.
Protein change: p.Ser282Leu; replaces serine 282 with leucine.
Molecular consequence: missense variant. On other transcripts: non-coding transcript variant (1), 5 prime UTR variant (1).
Genome position (GRCh38, 1-based): chr20:3,910,770, C>T. VCF-style: chr20-3910770-C-T. GRCh37 (hg19) VCF-style: chr20-3891417-C-T.
Other names: c.302C>T, p.Ser101Leu (NM_153640.4, NM_001324191.2, NM_024960.6); c.-134C>T (NM_001324193.2); c.1175C>T, p.Ser392Leu (NM_153638.4); short protein forms S282L, S101L, S392L.
Identifiers: ClinVar variation 1382403 (VCV001382403.8), dbSNP rs2090457090, ClinGen allele CA408115402.